The following is an entry in ClinVar:

ClinVar aggregate classification (germline): Uncertain significance. Review status: criteria provided, multiple submitters, no conflicts (2 of 4 stars). 5 submissions from 5 submitters: Uncertain significance (5). Last evaluated 2026-08-17.

Conditions:
Pheochromocytoma. Also called: MAX-Related Hereditary Paraganglioma-Pheochromocytoma Syndrome. Identifiers: Orphanet 29072, MedGen C0031511, MONDO:0008233, OMIM 171300, HP:0002666.
Hirschsprung disease, susceptibility to, 1 (HSCR1). Also called: RET-Related Hirschsprung Disease. Identifiers: Orphanet 388, MedGen C3888239, MONDO:0007723, OMIM 142623.
Familial medullary thyroid carcinoma (MTC). Also called: Thyroid cancer, familial medullary; MTC, familial; Familial Medullary Thyroid Carcinoma (FMTC). Identifiers: Orphanet 653, Orphanet 99361, MedGen C1833921, MONDO:0007958, OMIM 155240.
Multiple endocrine neoplasia type 2B. Also called: MEN IIB; NEUROMATA, MUCOSAL, WITH ENDOCRINE TUMORS; WAGENMANN-FROBOESE SYNDROME; MULTIPLE ENDOCRINE NEOPLASIA, TYPE III; MULTIPLE ENDOCRINE NEOPLASIA, TYPE IIB; MEN 2B. Identifiers: Orphanet 247709, Orphanet 653, MedGen C0025269, MeSH D018814, MONDO:0008082, OMIM 162300.
Multiple endocrine neoplasia type 2A. Also called: Multiple Endocrine Neoplasia Type 2A (MEN2A); MULTIPLE ENDOCRINE NEOPLASIA, TYPE IIA; PTC SYNDROME; SIPPLE SYNDROME; MEN 2A; MEN-2A syndrome. Identifiers: Orphanet 247698, Orphanet 653, MedGen C0025268, MeSH D018813, MONDO:0008234, OMIM 171400.
Hereditary cancer-predisposing syndrome. Also called: Tumor predisposition; Hereditary neoplastic syndrome; Hereditary Cancer Syndrome; Neoplastic Syndromes, Hereditary. Identifiers: Orphanet 140162, MedGen C0027672, MeSH D009386, MONDO:0015356.
Multiple endocrine neoplasia, type 2 (MEN2). Identifiers: Orphanet 653, MedGen C4048306, MONDO:0019003. Disease mechanism: gain of function.

Allele frequency attached by ClinVar (database versions not stated): gnomAD exomes below 0.00001; TOPMed 0.00001; ESP Exome Variant Server 0.00008; ExAC 0.00001.
gnomAD v4.1: 6 of 1,613,946 alleles (0.00037%); highest among the groups gnomAD compares: Non-Finnish European, 0.00051%; no homozygotes.

Submissions (5):

Ambry Genetics
Classification: Uncertain significance for Hereditary cancer-predisposing syndrome. Last evaluated: 2026-08-17. Review status: criteria provided, single submitter. Criteria: Ambry Variant Classification Scheme 2023. Collection method: clinical testing. Allele origin: germline.

Labcorp Genetics (formerly Invitae), Labcorp
Classification: Uncertain significance for Multiple endocrine neoplasia, type 2. Last evaluated: 2025-10-13. Review status: criteria provided, single submitter. Criteria: Invitae Variant Classification Sherloc (09022015). Collection method: clinical testing. Allele origin: germline.
Comment: This sequence change replaces aspartic acid, which is acidic and polar, with glutamic acid, which is acidic and polar, at codon 489 of the RET protein (p.Asp489Glu). This variant is present in population databases (rs372648203, gnomAD 0.0009%). This variant has not been reported in the literature in individuals affected with RET-related conditions. ClinVar contains an entry for this variant (Variation ID: 136101). An algorithm developed to predict the effect of missense changes on protein structure and function (PolyPhen-2) suggests that this variant is likely to be tolerated. In summary, the available evidence is currently insufficient to determine the role of this variant in disease. Therefore, it has been classified as a Variant of Uncertain Significance.

Dasa
Classification: Uncertain significance. Last evaluated: 2024-12-18. Review status: criteria provided, single submitter. Criteria: DASA Assertion Criteria. Collection method: clinical testing. Allele origin: germline.
Comment: NM_020975.6(RET):c.1467C>A (p.Asp489Glu) is a missense variant that results in the substitution of aspartic acid with glutamic acid. This variant is rare in population databases. Computational prediction algorithms are consistent with a benign effect. The currently available literature and clinical evidence are not sufficient to establish a definitive association between this variant and the reported condition. Therefore, this variant is classified as a variant of uncertain significance.

Fulgent Genetics
Classification: Uncertain significance for Hirschsprung disease, susceptibility to, 1; Familial medullary thyroid carcinoma; Multiple endocrine neoplasia type 2B; Pheochromocytoma; Multiple endocrine neoplasia type 2A. Last evaluated: 2024-05-25. Review status: criteria provided, single submitter. Criteria: ACMG Guidelines, 2015. Collection method: clinical testing. Allele origin: germline.

Mendelics
Classification: Uncertain significance for Multiple endocrine neoplasia, type 2a. Last evaluated: 2018-07-02. Review status: criteria provided, single submitter. Criteria: Mendelics Assertion Criteria 2017. Collection method: clinical testing. Allele origin: unknown.

NM_020975.6(RET):c.1467C>A (p.Asp489Glu)

Gene: RET (ret proto-oncogene; plus strand). Cytogenetic location: 10q11.21.
Variant type: single nucleotide variant.
Coding change: c.1467C>A on transcript NM_020975.6 (MANE Select); coding-DNA position 1467, C replaced by A.
Protein change: p.Asp489Glu; replaces aspartic acid 489 with glutamic acid.
Molecular consequence: missense variant.
Genome position (GRCh38, 1-based): chr10:43,111,410, C>A. VCF-style: chr10-43111410-C-A. GRCh37 (hg19) VCF-style: chr10-43606858-C-A.
Other names: c.1467C>A, p.Asp489Glu (NM_000323.2, NM_001406743.1, NM_001406744.1 and 6 more transcripts); c.705C>A, p.Asp235Glu (NM_001355216.2); c.1338C>A, p.Asp446Glu (NM_001406761.1, NM_001406762.1, NM_001406764.1 and 1 more transcripts); c.1179C>A, p.Asp393Glu (NM_001406766.1, NM_001406767.1, NM_001406770.1); c.1071C>A, p.Asp357Glu (NM_001406769.1, NM_001406772.1); c.1029C>A, p.Asp343Glu (NM_001406771.1, NM_001406773.1); c.942C>A, p.Asp314Glu (NM_001406774.1); c.741C>A, p.Asp247Glu (NM_001406775.1, NM_001406776.1, NM_001406777.1 and 1 more transcripts); and 1 more; short protein forms D489E, D235E, D343E, D247E, D314E, D357E, D446E, D159E.
Identifiers: ClinVar variation 136101 (VCV000136101.21), dbSNP rs372648203, ClinGen allele CA007597.
Genomic context (GRCh38, chr10:43,111,410, plus strand): 5'-CACCAAGGCCCTGCGGCGGCCCAAGTGTGCCGAACTTCACTACATGGTGGTGGCCACCGA[C>A]CAGCAGACCTCTAGGCAGGCCCAGGCCCAGCTGCTTGTAACAGTGGAGGGGTCATGTGAG-3'
Protein context (NP_066124.1, residues 479-499): AELHYMVVAT[Asp489Glu]QQTSRQAQAQ